The following is an entry in ClinVar:

ClinVar aggregate classification (germline): Uncertain significance (1 of 4 stars; one submission).

Conditions:
Fanconi anemia (FA). Also called: Fanconi's anemia. Identifiers: Orphanet 84, MedGen C0015625, MeSH D005199, MONDO:0019391.

Submission:

Labcorp Genetics (formerly Invitae), Labcorp
Classification: Uncertain significance for Fanconi anemia. Last evaluated: 2022-02-02. Review status: criteria provided, single submitter. Criteria: Invitae Variant Classification Sherloc (09022015). Collection method: clinical testing. Allele origin: germline.
Comment: This variant has not been reported in the literature in individuals affected with SLX4-related conditions. This variant is not present in population databases (gnomAD no frequency). This sequence change replaces glutamic acid, which is acidic and polar, with aspartic acid, which is acidic and polar, at codon 532 of the SLX4 protein (p.Glu532Asp). Algorithms developed to predict the effect of missense changes on protein structure and function are either unavailable or do not agree on the potential impact of this missense change (SIFT: "Tolerated"; PolyPhen-2: "Probably Damaging"; Align-GVGD: "Class C0"). In summary, the available evidence is currently insufficient to determine the role of this variant in disease. Therefore, it has been classified as a Variant of Uncertain Significance.

NM_032444.4(SLX4):c.1596G>C (p.Glu532Asp)

Gene: SLX4 (SLX4 structure-specific endonuclease subunit; minus strand). Cytogenetic location: 16p13.3.
Variant type: single nucleotide variant.
Coding change: c.1596G>C on transcript NM_032444.4 (MANE Select); coding-DNA position 1596, G replaced by C.
Protein change: p.Glu532Asp; replaces glutamic acid 532 with aspartic acid.
Molecular consequence: missense variant.
Genome position (GRCh38, 1-based): chr16:3,597,466, C>G on the plus strand (G>C on the coding strand, the complement: SLX4 is on the minus strand). VCF-style: chr16-3597466-C-G. GRCh37 (hg19) VCF-style: chr16-3647467-C-G.
Other names: short protein forms E532D.
Identifiers: ClinVar variation 1379305 (VCV001379305.6), dbSNP rs2151131185, ClinGen allele CA394528736.
Genomic context (GRCh38, chr16:3,597,466, plus strand): 5'-AGGGACCAGCCTGGCCGTGTAGAAGTCCTCCATGGCCCAGGCCCCAGTCAGTGCGCTGCC[C>G]TCCCACAGAAAGCTCTGCTTGCGTTCAGGTGGAGGAGGACACTGGCCCGCTCTTTCCCAC-3'
Protein context (NP_115820.2, residues 522-542): PPERKQSFLW[Glu532Asp]GSALTGAWAM